The following is an entry in ClinVar:

NM_000179.3(MSH6):c.2469T>G (p.Ser823Arg)

Gene: MSH6 (mutS homolog 6; plus strand). Cytogenetic location: 2p16.3.
Variant type: single nucleotide variant.
Coding change: c.2469T>G on transcript NM_000179.3 (MANE Select); coding-DNA position 2469, T replaced by G.
Protein change: p.Ser823Arg; replaces serine 823 with arginine.
Molecular consequence: missense variant. On other transcripts: non-coding transcript variant (5), intron variant (3).
Genome position (GRCh38, 1-based): chr2:47,800,452, T>G. VCF-style: chr2-47800452-T-G. GRCh37 (hg19) VCF-style: chr2-48027591-T-G.
Other names: c.2079T>G, p.Ser693Arg (NM_001281492.2); c.1563T>G, p.Ser521Arg (NM_001281493.2, NM_001281494.2, NM_001406814.1 and 6 more transcripts); c.2565T>G, p.Ser855Arg (NM_001406795.1, NM_001406802.1); c.2469T>G, p.Ser823Arg (NM_001406796.1, NM_001406798.1, NM_001406800.1 and 2 more transcripts); c.2172T>G, p.Ser724Arg (NM_001406797.1, NM_001406801.1, NM_001406818.1 and 10 more transcripts); c.1944T>G, p.Ser648Arg (NM_001406799.1, NM_001406806.1, NM_001406807.1); c.2308+161T>G (NM_001406803.1); c.1606+863T>G (NM_001406817.1); and 4 more; short protein forms S648R, S693R, S823R, S855R, S521R, S767R, S797R, S724R.
Identifiers: ClinVar variation 2752948 (VCV002752948.3), dbSNP rs2104408385, ClinGen allele CA346754115.

ClinVar aggregate classification (germline): Uncertain significance (1 of 4 stars; one submission).

Conditions:
Hereditary nonpolyposis colorectal neoplasms. Identifiers: MedGen C0009405, MeSH D003123.

Submission:

Labcorp Genetics (formerly Invitae), Labcorp
Classification: Uncertain significance for Hereditary nonpolyposis colorectal neoplasms. Last evaluated: 2023-05-31. Review status: criteria provided, single submitter. Criteria: Invitae Variant Classification Sherloc (09022015). Collection method: clinical testing. Allele origin: germline.
Comment: In summary, the available evidence is currently insufficient to determine the role of this variant in disease. Therefore, it has been classified as a Variant of Uncertain Significance. Advanced modeling of protein sequence and biophysical properties (such as structural, functional, and spatial information, amino acid conservation, physicochemical variation, residue mobility, and thermodynamic stability) has been performed at Invitae for this missense variant, however the output from this modeling did not meet the statistical confidence thresholds required to predict the impact of this variant on MSH6 protein function. This variant has not been reported in the literature in individuals affected with MSH6-related conditions. This variant is not present in population databases (gnomAD no frequency). This sequence change replaces serine, which is neutral and polar, with arginine, which is basic and polar, at codon 823 of the MSH6 protein (p.Ser823Arg).